The following is an entry in ClinVar:

ClinVar aggregate classification (germline): Uncertain significance (1 of 4 stars; one submission).

Conditions:
Dyskeratosis congenita. Identifiers: Orphanet 1775, MedGen C0265965, MONDO:0015780.

Submission:

Labcorp Genetics (formerly Invitae), Labcorp
Classification: Uncertain significance for Dyskeratosis congenita. Last evaluated: 2022-07-05. Review status: criteria provided, single submitter. Criteria: Invitae Variant Classification Sherloc (09022015). Collection method: clinical testing. Allele origin: germline.
Comment: This sequence change replaces valine, which is neutral and non-polar, with aspartic acid, which is acidic and polar, at codon 44 of the TINF2 protein (p.Val44Asp). This variant is not present in population databases (gnomAD no frequency). In summary, the available evidence is currently insufficient to determine the role of this variant in disease. Therefore, it has been classified as a Variant of Uncertain Significance. Algorithms developed to predict the effect of missense changes on protein structure and function are either unavailable or do not agree on the potential impact of this missense change (SIFT: "Tolerated"; PolyPhen-2: "Possibly Damaging"; Align-GVGD: "Class C0"). ClinVar contains an entry for this variant (Variation ID: 1402923). This variant has not been reported in the literature in individuals affected with TINF2-related conditions.

NM_001099274.3(TINF2):c.131T>A (p.Val44Asp)

Genes: TINF2 (TERF1 interacting nuclear factor 2; minus strand), LOC130055403 (ATAC-STARR-seq lymphoblastoid active region 8199; plus strand). Cytogenetic location: 14q12.
Variant type: single nucleotide variant.
Coding change: c.131T>A on transcript NM_001099274.3 (MANE Select); coding-DNA position 131, T replaced by A.
Protein change: p.Val44Asp; replaces valine 44 with aspartic acid.
Molecular consequence: missense variant.
Genome position (GRCh38, 1-based): chr14:24,242,202, A>T on the plus strand (T>A on the coding strand, the complement: TINF2 is on the minus strand). VCF-style: chr14-24242202-A-T. GRCh37 (hg19) VCF-style: chr14-24711408-A-T.
Other names: c.131T>A, p.Val44Asp (NM_001363668.2, NM_012461.3); short protein forms V44D.
Identifiers: ClinVar variation 1402923 (VCV001402923.6), dbSNP rs1282299077, ClinGen allele CA389235590.
Genomic context (GRCh38, chr14:24,242,202, plus strand): 5'-TTGGCCTTTAGGCCCATACAAAGGCGTTCGTGGTGCCGGTAGCGAACCAAGCCAGGGGCA[A>T]CAGCGCGCAGAGATCGCAGAAACTCCAGTACTCGCGGAAAATGTTCCACGCAGCGTCCGC-3'
Protein context (NP_001092744.1, residues 34-54): VLEFLRSLRA[Val44Asp]APGLVRYRHH